The following is an entry in ClinVar:

ClinVar aggregate classification (germline): Uncertain significance (1 of 4 stars; one submission).

Submission:

Ambry Genetics
Classification: Uncertain significance. Last evaluated: 2023-12-14. Review status: criteria provided, single submitter. Criteria: Ambry Variant Classification Scheme 2023. Collection method: clinical testing. Allele origin: germline.
Comment: The p.S156I variant (also known as c.467G>T), located in coding exon 1 of the TERF2IP gene, results from a G to T substitution at nucleotide position 467. The serine at codon 156 is replaced by isoleucine, an amino acid with dissimilar properties. This amino acid position is conserved. In addition, this alteration is predicted to be tolerated by in silico analysis. Since supporting evidence is limited at this time, the clinical significance of this alteration remains unclear.

NM_018975.4(TERF2IP):c.467G>T (p.Ser156Ile)

Gene: TERF2IP (TERF2 interacting protein; plus strand). Cytogenetic location: 16q23.1.
Variant type: single nucleotide variant.
Coding change: c.467G>T on transcript NM_018975.4 (MANE Select); coding-DNA position 467, G replaced by T.
Protein change: p.Ser156Ile; replaces serine 156 with isoleucine.
Molecular consequence: missense variant. On other transcripts: non-coding transcript variant (1).
Genome position (GRCh38, 1-based): chr16:75,648,349, G>T. VCF-style: chr16-75648349-G-T. GRCh37 (hg19) VCF-style: chr16-75682247-G-T.
Other names: short protein forms S156I.
Identifiers: ClinVar variation 3227181 (VCV003227181.1), dbSNP rs770718613, ClinGen allele CA396817964.